The following is an entry in ClinVar:

NM_001291303.3(FAT4):c.10204G>A (p.Asp3402Asn)

Gene: FAT4 (FAT atypical cadherin 4; plus strand). Cytogenetic location: 4q28.1.
Variant type: single nucleotide variant.
Coding change: c.10204G>A on transcript NM_001291303.3 (MANE Select); coding-DNA position 10204, G replaced by A.
Protein change: p.Asp3402Asn; replaces aspartic acid 3402 with asparagine.
Molecular consequence: missense variant.
Genome position (GRCh38, 1-based): chr4:125,451,214, G>A. VCF-style: chr4-125451214-G-A. GRCh37 (hg19) VCF-style: chr4-126372369-G-A.
Other names: c.10204G>A, p.Asp3402Asn (NM_001291285.3); c.10198G>A, p.Asp3400Asn (NM_024582.6); short protein forms D3400N, D3402N.
Identifiers: ClinVar variation 3353746 (VCV003353746.1).

ClinVar aggregate classification (germline): Uncertain significance (0 of 4 stars; one submission).

Conditions:
FAT4-related disorder. Also called: FAT4-related condition.

Submission:

PreventionGenetics, part of Exact Sciences
Classification: Uncertain significance for FAT4-related condition. Last evaluated: 2024-09-23. Review status: no assertion criteria provided. Collection method: clinical testing. Allele origin: germline.
Comment: The FAT4 c.10198G>A variant is predicted to result in the amino acid substitution p.Asp3400Asn. To our knowledge, this variant has not been reported in the literature or in a large population database, indicating this variant is rare. Although we suspect that this variant may be pathogenic, at this time, the clinical significance of this variant is uncertain due to the absence of conclusive functional and genetic evidence.